The following is an entry in ClinVar:

ClinVar aggregate classification (germline): Uncertain significance. Review status: criteria provided, multiple submitters, no conflicts (2 of 4 stars). 2 submissions from 2 submitters: Uncertain significance (2). Last evaluated 2025-07-30.

Conditions:
Charcot-Marie-Tooth disease type 2. Also called: Charcot-Marie-Tooth type 2. Identifiers: Orphanet 64746, MedGen C0270914, MONDO:0018993.

Allele frequency attached by ClinVar (database versions not stated): gnomAD 0.00001; gnomAD exomes 0.00001.
gnomAD v4.1: 23 of 1,614,130 alleles (0.0014%); highest among the groups gnomAD compares: Non-Finnish European, 0.0019%; no homozygotes.

Submissions (2):

Labcorp Genetics (formerly Invitae), Labcorp
Classification: Uncertain significance for Charcot-Marie-Tooth disease type 2. Last evaluated: 2025-07-30. Review status: criteria provided, single submitter. Criteria: Invitae Variant Classification Sherloc (09022015). Collection method: clinical testing. Allele origin: germline.
Comment: This sequence change replaces leucine, which is neutral and non-polar, with valine, which is neutral and non-polar, at codon 1042 of the KIF1B protein (p.Leu1042Val). This variant is present in population databases (no rsID available, gnomAD 0.002%). This variant has not been reported in the literature in individuals affected with KIF1B-related conditions. ClinVar contains an entry for this variant (Variation ID: 1398901). An algorithm developed to predict the effect of missense changes on protein structure and function (PolyPhen-2) suggests that this variant is likely to be disruptive. In summary, the available evidence is currently insufficient to determine the role of this variant in disease. Therefore, it has been classified as a Variant of Uncertain Significance.

Ambry Genetics
Classification: Uncertain significance. Last evaluated: 2025-04-21. Review status: criteria provided, single submitter. Criteria: Ambry Variant Classification Scheme 2023. Collection method: clinical testing. Allele origin: germline.
Comment: The p.L1042V variant (also known as c.3124T>G), located in coding exon 28 of the KIF1B gene, results from a T to G substitution at nucleotide position 3124. The leucine at codon 1042 is replaced by valine, an amino acid with highly similar properties. This amino acid position is highly conserved in available vertebrate species. In addition, this alteration is predicted to be tolerated by in silico analysis. The evidence for this gene-disease relationship is limited; therefore, the clinical significance of this alteration is unclear.

NM_001365951.3(KIF1B):c.3262T>G (p.Leu1088Val)

Gene: KIF1B (kinesin family member 1B; plus strand). Cytogenetic location: 1p36.22.
Variant type: single nucleotide variant.
Coding change: c.3262T>G on transcript NM_001365951.3 (MANE Select); coding-DNA position 3262, T replaced by G.
Protein change: p.Leu1088Val; replaces leucine 1088 with valine.
Molecular consequence: missense variant.
Genome position (GRCh38, 1-based): chr1:10,337,373, T>G. VCF-style: chr1-10337373-T-G. GRCh37 (hg19) VCF-style: chr1-10397431-T-G.
Other names: c.3262T>G, p.Leu1088Val (NM_001365952.1); c.3124T>G, p.Leu1042Val (NM_015074.3); short protein forms L1042V, L1088V.
Identifiers: ClinVar variation 1398901 (VCV001398901.9), dbSNP rs1001609597, ClinGen allele CA17841618.